The following is an entry in ClinVar:

ClinVar aggregate classification (germline): Uncertain significance (1 of 4 stars; one submission).

Conditions:
Perlman syndrome (PRLMNS). Identifiers: Orphanet 2849, MedGen C0796113, MONDO:0009965, OMIM 267000.

Allele frequency attached by ClinVar (database versions not stated): 1000 Genomes Project 30x 0.00016; 1000 Genomes Project 0.00020.
gnomAD v4.1: 2 of 1,614,216 alleles (0.00012%); highest among the groups gnomAD compares: South Asian, 0.0011%; no homozygotes.

Submission:

Labcorp Genetics (formerly Invitae), Labcorp
Classification: Uncertain significance for Perlman syndrome. Last evaluated: 2023-07-19. Review status: criteria provided, single submitter. Criteria: Invitae Variant Classification Sherloc (09022015). Collection method: clinical testing. Allele origin: germline.
Comment: In summary, the available evidence is currently insufficient to determine the role of this variant in disease. Therefore, it has been classified as a Variant of Uncertain Significance. This sequence change replaces proline, which is neutral and non-polar, with threonine, which is neutral and polar, at codon 515 of the DIS3L2 protein (p.Pro515Thr). This variant is present in population databases (rs538188509, gnomAD 0.003%). This variant has not been reported in the literature in individuals affected with DIS3L2-related conditions. ClinVar contains an entry for this variant (Variation ID: 1000394). An algorithm developed to predict the effect of missense changes on protein structure and function (PolyPhen-2) suggests that this variant is likely to be tolerated.

NM_152383.5(DIS3L2):c.1543C>A (p.Pro515Thr)

Gene: DIS3L2 (DIS3 like 3'-5' exoribonuclease 2; plus strand). Cytogenetic location: 2q37.1.
Variant type: single nucleotide variant.
Coding change: c.1543C>A on transcript NM_152383.5 (MANE Select); coding-DNA position 1543, C replaced by A.
Protein change: p.Pro515Thr; replaces proline 515 with threonine.
Molecular consequence: missense variant. On other transcripts: non-coding transcript variant (2).
Genome position (GRCh38, 1-based): chr2:232,263,324, C>A. VCF-style: chr2-232263324-C-A. GRCh37 (hg19) VCF-style: chr2-233128034-C-A.
Other names: c.1543C>A, p.Pro515Thr (NM_001257281.2); short protein forms P515T.
Identifiers: ClinVar variation 1000394 (VCV001000394.9), dbSNP rs538188509, ClinGen allele CA2164184.